The following is an entry in ClinVar:

ClinVar aggregate classification (germline): Uncertain significance (1 of 4 stars; one submission).

gnomAD v4.1: 11 of 1,588,796 alleles (0.00069%); highest among the groups gnomAD compares: East Asian, 0.0022%; no homozygotes.

Submission:

CeGaT Center for Human Genetics Tuebingen
Classification: Uncertain significance. Last evaluated: 2026-08-01. Review status: criteria provided, single submitter. Criteria: CeGaT Center For Human Genetics Tuebingen Variant Classification Criteria Version 2. Collection method: clinical testing. Allele origin: germline. Affected: yes. Observed: 1 variant allele.
Comment: WASHC5: PM2, PP3

NM_014846.4(WASHC5):c.3091A>G (p.Ile1031Val)

Gene: WASHC5 (WASH complex subunit 5; minus strand). Cytogenetic location: 8q24.13.
Variant type: single nucleotide variant.
Coding change: c.3091A>G on transcript NM_014846.4 (MANE Select); coding-DNA position 3091, A replaced by G.
Protein change: p.Ile1031Val; replaces isoleucine 1031 with valine.
Molecular consequence: missense variant.
Genome position (GRCh38, 1-based): chr8:125,037,327, T>C on the plus strand (A>G on the coding strand, the complement: WASHC5 is on the minus strand). VCF-style: chr8-125037327-T-C. GRCh37 (hg19) VCF-style: chr8-126049569-T-C.
Other names: c.2647A>G, p.Ile883Val (NM_001330609.2); short protein forms I1031V, I883V.
Identifiers: ClinVar variation 4875497 (VCV004875497.2).